The following is an entry in ClinVar:

NM_003803.4(MYOM1):c.2688G>A (p.Val896=)

Gene: MYOM1 (myomesin 1; minus strand). Cytogenetic location: 18p11.31.
Variant type: single nucleotide variant.
Coding change: c.2688G>A on transcript NM_003803.4 (MANE Select); coding-DNA position 2688, G replaced by A.
Protein change: p.Val896=; no amino-acid change (valine 896 retained).
Molecular consequence: synonymous variant. On other transcripts: intron variant (1).
Genome position (GRCh38, 1-based): chr18:3,129,338, C>T on the plus strand (G>A on the coding strand, the complement: MYOM1 is on the minus strand). VCF-style: chr18-3129338-C-T. GRCh37 (hg19) VCF-style: chr18-3129336-C-T.
Other names: c.2506+2037G>A (NM_019856.2).
Identifiers: ClinVar variation 2732519 (VCV002732519.3), dbSNP rs368884225, ClinGen allele CA8874555.

ClinVar aggregate classification (germline): Uncertain significance (1 of 4 stars; one submission).

Conditions:
Hypertrophic cardiomyopathy. Also called: HYPERTROPHIC MYOCARDIOPATHY. Identifiers: Orphanet 217569, MedGen C0007194, MeSH D002312, MONDO:0005045, HP:0001639.

Allele frequency attached by ClinVar (database versions not stated): ExAC 0.00001; gnomAD 0.00001; TOPMed 0.00001; gnomAD exomes 0.00002; ESP Exome Variant Server 0.00008.
gnomAD v4.1: 29 of 1,613,864 alleles (0.0018%); highest among the groups gnomAD compares: Non-Finnish European, 0.0024%; no homozygotes.

Submission:

Labcorp Genetics (formerly Invitae), Labcorp
Classification: Uncertain significance for Hypertrophic cardiomyopathy. Last evaluated: 2023-06-29. Review status: criteria provided, single submitter. Criteria: Invitae Variant Classification Sherloc (09022015). Collection method: clinical testing. Allele origin: germline.
Comment: In summary, the available evidence is currently insufficient to determine the role of this variant in disease. Therefore, it has been classified as a Variant of Uncertain Significance. Algorithms developed to predict the effect of sequence changes on RNA splicing suggest that this variant may create or strengthen a splice site. This variant has not been reported in the literature in individuals affected with MYOM1-related conditions. This variant is present in population databases (rs368884225, gnomAD 0.0009%). This sequence change affects codon 896 of the MYOM1 mRNA. It is a 'silent' change, meaning that it does not change the encoded amino acid sequence of the MYOM1 protein.